The following is an entry in ClinVar:

ClinVar aggregate classification (germline): Benign (1 of 4 stars; one submission).

Allele frequency attached by ClinVar (database versions not stated): gnomAD exomes 0.00605; gnomAD 0.04591 and 0.04929; 1000 Genomes Project 0.04932; 1000 Genomes Project 30x 0.05169; TOPMed 0.05175.
gnomAD v4.1: 9,099 of 493,388 alleles (1.8%); highest among the groups gnomAD compares: African/African-American, 16%; 671 homozygotes.

Submission:

GeneDx
Classification: Benign. Last evaluated: 2018-06-19. Review status: criteria provided, single submitter. Criteria: GeneDx Variant Classification (06012015). Collection method: clinical testing. Allele origin: germline. Affected: yes.
Comment: This variant is considered likely benign or benign based on one or more of the following criteria: it is a conservative change, it occurs at a poorly conserved position in the protein, it is predicted to be benign by multiple in silico algorithms, and/or has population frequency not consistent with disease.

NM_002880.4(RAF1):c.1418-242C>T

Gene: RAF1 (Raf-1 proto-oncogene, serine/threonine kinase; minus strand). Cytogenetic location: 3p25.2.
Variant type: single nucleotide variant.
Coding change: c.1418-242C>T on transcript NM_002880.4 (MANE Select); 242 bases into the intron before coding-DNA position 1418, C replaced by T.
Molecular consequence: intron variant.
Genome position (GRCh38, 1-based): chr3:12,586,041, G>A on the plus strand (C>T on the coding strand, the complement: RAF1 is on the minus strand). VCF-style: chr3-12586041-G-A. GRCh37 (hg19) VCF-style: chr3-12627540-G-A.
Other names: c.1076-242C>T (NM_001354695.3); c.1175-242C>T (NM_001354692.3, NM_001354691.3); c.1235-242C>T (NM_001354694.3); c.1319-242C>T (NM_001354693.3); c.1478-242C>T (NM_001354689.3); c.1418-242C>T (NM_001354690.3).
Identifiers: ClinVar variation 561626 (VCV000561626.1), dbSNP rs5746240, ClinGen allele CA69604302.